The following is an entry in ClinVar:

NM_001256071.3(RNF213):c.4894A>T (p.Met1632Leu)

Gene: RNF213 (ring finger protein 213; plus strand). Cytogenetic location: 17q25.3.
Variant type: single nucleotide variant.
Coding change: c.4894A>T on transcript NM_001256071.3 (MANE Select); coding-DNA position 4894, A replaced by T.
Protein change: p.Met1632Leu; replaces methionine 1632 with leucine.
Molecular consequence: missense variant.
Genome position (GRCh38, 1-based): chr17:80,339,261, A>T. VCF-style: chr17-80339261-A-T. GRCh37 (hg19) VCF-style: chr17-78313061-A-T.
Other names: c.5041A>T, p.Met1681Leu (NM_001410195.1, NM_020914.5); short protein forms M1632L, M1681L.
Identifiers: ClinVar variation 4747328 (VCV004747328.1).

ClinVar aggregate classification (germline): Uncertain significance (1 of 4 stars; one submission).

Submission:

Labcorp Genetics (formerly Invitae), Labcorp
Classification: Uncertain significance. Last evaluated: 2025-05-05. Review status: criteria provided, single submitter. Criteria: Invitae Variant Classification Sherloc (09022015). Collection method: clinical testing. Allele origin: germline.
Comment: This sequence change replaces methionine, which is neutral and non-polar, with leucine, which is neutral and non-polar, at codon 1632 of the RNF213 protein (p.Met1632Leu). This variant is present in population databases (no rsID available, gnomAD 0.004%). This variant has not been reported in the literature in individuals affected with RNF213-related conditions. Invitae Evidence Modeling of protein sequence and biophysical properties (such as structural, functional, and spatial information, amino acid conservation, physicochemical variation, residue mobility, and thermodynamic stability) indicates that this missense variant is not expected to disrupt RNF213 protein function with a negative predictive value of 95%. In summary, the available evidence is currently insufficient to determine the role of this variant in disease. Therefore, it has been classified as a Variant of Uncertain Significance.